The following is an entry in ClinVar:

ClinVar aggregate classification (germline): Uncertain significance (1 of 4 stars; one submission).

Conditions:
Emery-Dreifuss muscular dystrophy 5, autosomal dominant (EDMD5). Also called: EMERY-DREIFUSS MUSCULAR DYSTROPHY 5. Identifiers: Orphanet 261, MedGen C2751805, MONDO:0013072, OMIM 612999.

gnomAD v4.1: 6 of 1,614,098 alleles (0.00037%); highest among the groups gnomAD compares: Admixed American, 0.0083%; no homozygotes.

Submission:

Labcorp Genetics (formerly Invitae), Labcorp
Classification: Uncertain significance for Emery-Dreifuss muscular dystrophy 5, autosomal dominant. Last evaluated: 2025-03-07. Review status: criteria provided, single submitter. Criteria: Invitae Variant Classification Sherloc (09022015). Collection method: clinical testing. Allele origin: germline.
Comment: This sequence change replaces glycine, which is neutral and non-polar, with arginine, which is basic and polar, at codon 3383 of the SYNE2 protein (p.Gly3383Arg). This variant is present in population databases (no rsID available, gnomAD 0.003%). This variant has not been reported in the literature in individuals affected with SYNE2-related conditions. An algorithm developed to predict the effect of missense changes on protein structure and function outputs the following: PolyPhen-2: "Benign". The arginine amino acid residue is found in multiple mammalian species, which suggests that this missense change does not adversely affect protein function. In summary, the available evidence is currently insufficient to determine the role of this variant in disease. Therefore, it has been classified as a Variant of Uncertain Significance.

NM_182914.3(SYNE2):c.10147G>A (p.Gly3383Arg)

Gene: SYNE2 (spectrin repeat containing nuclear envelope protein 2; plus strand). Cytogenetic location: 14q23.2.
Variant type: single nucleotide variant.
Coding change: c.10147G>A on transcript NM_182914.3 (MANE Select); coding-DNA position 10147, G replaced by A.
Protein change: p.Gly3383Arg; replaces glycine 3383 with arginine.
Molecular consequence: missense variant.
Genome position (GRCh38, 1-based): chr14:64,062,830, G>A. VCF-style: chr14-64062830-G-A. GRCh37 (hg19) VCF-style: chr14-64529548-G-A.
Other names: c.10147G>A, p.Gly3383Arg (NM_015180.6); short protein forms G3383R.
Identifiers: ClinVar variation 4738601 (VCV004738601.1).